The following is an entry in ClinVar:

NM_017617.5(NOTCH1):c.2319T>A (p.Ser773Arg)

Gene: NOTCH1 (notch receptor 1; minus strand). Cytogenetic location: 9q34.3.
Variant type: single nucleotide variant.
Coding change: c.2319T>A on transcript NM_017617.5 (MANE Select); coding-DNA position 2319, T replaced by A.
Protein change: p.Ser773Arg; replaces serine 773 with arginine.
Molecular consequence: missense variant.
Genome position (GRCh38, 1-based): chr9:136,513,426, A>T on the plus strand (T>A on the coding strand, the complement: NOTCH1 is on the minus strand). VCF-style: chr9-136513426-A-T. GRCh37 (hg19) VCF-style: chr9-139407878-A-T.
Other names: c.2319T>A (NM_017617.3); short protein forms S773R.
Identifiers: ClinVar variation 4743642 (VCV004743642.2).

ClinVar aggregate classification (germline): Uncertain significance. Review status: criteria provided, multiple submitters, no conflicts (2 of 4 stars). 2 submissions from 2 submitters: Uncertain significance (2). Last evaluated 2026-08-10.

Conditions:
Familial thoracic aortic aneurysm and aortic dissection (TAAD). Also called: Thoracic aortic aneurysms and dissections. Identifiers: Orphanet 91387, MedGen C4707243, MONDO:0019625.
Adams-Oliver syndrome 5 (AOS5). Identifiers: Orphanet 974, MedGen C4014970, MONDO:0014459, OMIM 616028.

gnomAD v4.1: 6 of 1,612,858 alleles (0.00037%); highest among the groups gnomAD compares: Non-Finnish European, 0.00051%; no homozygotes.

Submissions (2):

Ambry Genetics
Classification: Uncertain significance for Familial thoracic aortic aneurysm and aortic dissection. Last evaluated: 2026-08-10. Review status: criteria provided, single submitter. Criteria: Ambry Variant Classification Scheme 2023. Collection method: clinical testing. Allele origin: germline.
Comment: The p.S773R variant (also known as c.2319T>A), located in coding exon 14 of the NOTCH1 gene, results from a T to A substitution at nucleotide position 2319. The serine at codon 773 is replaced by arginine, an amino acid with dissimilar properties. This amino acid position is conserved. In addition, the in silico prediction for this alteration is inconclusive. Based on the available evidence, the clinical significance of this variant remains unclear.

Labcorp Genetics (formerly Invitae), Labcorp
Classification: Uncertain significance for Adams-Oliver syndrome 5. Last evaluated: 2026-01-30. Review status: criteria provided, single submitter. Criteria: Invitae Variant Classification Sherloc (09022015). Collection method: clinical testing. Allele origin: germline.
Comment: This sequence change replaces serine, which is neutral and polar, with arginine, which is basic and polar, at codon 773 of the NOTCH1 protein (p.Ser773Arg). This variant is not present in population databases (gnomAD no frequency). This variant has not been reported in the literature in individuals affected with NOTCH1-related conditions. Invitae Evidence Modeling of protein sequence and biophysical properties (such as structural, functional, and spatial information, amino acid conservation, physicochemical variation, residue mobility, and thermodynamic stability) indicates that this missense variant is not expected to disrupt NOTCH1 protein function with a negative predictive value of 80%. In summary, the available evidence is currently insufficient to determine the role of this variant in disease. Therefore, it has been classified as a Variant of Uncertain Significance.